The following is an entry in ClinVar:

NM_000642.3(AGL):c.3670C>T (p.Pro1224Ser)

Gene: AGL (amylo-alpha-1,6-glucosidase and 4-alpha-glucanotransferase; plus strand). Cytogenetic location: 1p21.2.
Variant type: single nucleotide variant.
Coding change: c.3670C>T on transcript NM_000642.3 (MANE Select); coding-DNA position 3670, C replaced by T.
Protein change: p.Pro1224Ser; replaces proline 1224 with serine.
Molecular consequence: missense variant.
Genome position (GRCh38, 1-based): chr1:99,902,764, C>T. VCF-style: chr1-99902764-C-T. GRCh37 (hg19) VCF-style: chr1-100368320-C-T.
Other names: c.3670C>T, p.Pro1224Ser (NM_000028.3, NM_000643.3, NM_000644.3 and 1 more transcripts); c.3622C>T, p.Pro1208Ser (NM_000646.3); c.3649C>T, p.Pro1217Ser (NM_001425326.1); c.3469C>T, p.Pro1157Ser (NM_001425327.1); c.3466C>T, p.Pro1156Ser (NM_001425328.1); c.3331C>T, p.Pro1111Ser (NM_001425329.1); c.3292C>T, p.Pro1098Ser (NM_001425332.1); short protein forms P1224S, P1208S, P1098S, P1111S, P1156S, P1157S, P1217S.
Identifiers: ClinVar variation 571039 (VCV000571039.3), dbSNP rs1417784168, ClinGen allele CA341335020.

ClinVar aggregate classification (germline): Uncertain significance (1 of 4 stars; one submission).

Conditions:
Glycogen storage disease type III (GSD3). Also called: Cori disease; FORBES DISEASE. Identifiers: Orphanet 366, MedGen C0017922, MONDO:0009291, OMIM 232400.

Allele frequency attached by ClinVar (database versions not stated): TOPMed below 0.00001.
gnomAD v4.1: 1 of 1,613,154 alleles (0.000062%); highest among the groups gnomAD compares: Non-Finnish European, 0.000085%; no homozygotes.

Submission:

Labcorp Genetics (formerly Invitae), Labcorp
Classification: Uncertain significance for Glycogen storage disease type III. Last evaluated: 2021-08-20. Review status: criteria provided, single submitter. Criteria: Invitae Variant Classification Sherloc (09022015). Collection method: clinical testing. Allele origin: germline.
Comment: This sequence change replaces proline with serine at codon 1224 of the AGL protein (p.Pro1224Ser). The proline residue is highly conserved and there is a moderate physicochemical difference between proline and serine. This variant is not present in population databases (ExAC no frequency). This variant has not been reported in the literature in individuals affected with AGL-related conditions. Algorithms developed to predict the effect of missense changes on protein structure and function output the following: SIFT: "Tolerated"; PolyPhen-2: "Benign"; Align-GVGD: "Class C0". The serine amino acid residue is found in multiple mammalian species, which suggests that this missense change does not adversely affect protein function. In summary, the available evidence is currently insufficient to determine the role of this variant in disease. Therefore, it has been classified as a Variant of Uncertain Significance.